The following is an entry in ClinVar:

NM_013328.4(PYCR2):c.466G>T (p.Val156Leu)

Gene: PYCR2 (pyrroline-5-carboxylate reductase 2; minus strand). Cytogenetic location: 1q42.12.
Variant type: single nucleotide variant.
Coding change: c.466G>T on transcript NM_013328.4 (MANE Select); coding-DNA position 466, G replaced by T.
Protein change: p.Val156Leu; replaces valine 156 with leucine.
Molecular consequence: missense variant. On other transcripts: intron variant (1).
Genome position (GRCh38, 1-based): chr1:225,921,932, C>A on the plus strand (G>T on the coding strand, the complement: PYCR2 is on the minus strand). VCF-style: chr1-225921932-C-A. GRCh37 (hg19) VCF-style: chr1-226109632-C-A.
Other names: c.318+272G>T (NM_001271681.2); short protein forms V156L.
Identifiers: ClinVar variation 2023619 (VCV002023619.4), dbSNP rs145139251, ClinGen allele CA345005888.

ClinVar aggregate classification (germline): Uncertain significance (1 of 4 stars; one submission).

Submission:

Labcorp Genetics (formerly Invitae), Labcorp
Classification: Uncertain significance. Last evaluated: 2024-10-22. Review status: criteria provided, single submitter. Criteria: Invitae Variant Classification Sherloc (09022015). Collection method: clinical testing. Allele origin: germline.
Comment: This sequence change replaces valine, which is neutral and non-polar, with leucine, which is neutral and non-polar, at codon 156 of the PYCR2 protein (p.Val156Leu). This variant is present in population databases (no rsID available, gnomAD 0.003%). This variant has not been reported in the literature in individuals affected with PYCR2-related conditions. ClinVar contains an entry for this variant (Variation ID: 2023619). Invitae Evidence Modeling of protein sequence and biophysical properties (such as structural, functional, and spatial information, amino acid conservation, physicochemical variation, residue mobility, and thermodynamic stability) indicates that this missense variant is not expected to disrupt PYCR2 protein function with a negative predictive value of 80%. In summary, the available evidence is currently insufficient to determine the role of this variant in disease. Therefore, it has been classified as a Variant of Uncertain Significance.